The following is an entry in ClinVar:

NM_005529.7(HSPG2):c.1801C>T (p.Gln601Ter)

Gene: HSPG2 (heparan sulfate proteoglycan 2; minus strand). Cytogenetic location: 1p36.12.
Variant type: single nucleotide variant.
Coding change: c.1801C>T on transcript NM_005529.7 (MANE Select); coding-DNA position 1801, C replaced by T.
Protein change: p.Gln601Ter; replaces glutamine 601 with a stop codon.
Molecular consequence: nonsense.
Genome position (GRCh38, 1-based): chr1:21,881,356, G>A on the plus strand (C>T on the coding strand, the complement: HSPG2 is on the minus strand). VCF-style: chr1-21881356-G-A. GRCh37 (hg19) VCF-style: chr1-22207849-G-A.
Other names: c.1804C>T, p.Gln602Ter (NM_001291860.2); short protein forms Q601*, Q602*.
Identifiers: ClinVar variation 3659354 (VCV003659354.2).
Genomic context (GRCh38, chr1:21,881,356, plus strand): 5'-AGGAATTCTTTCCCCACCCAGGGTGGCAGCCCAGGCCCCTCACCTTGTTGCCCAGGAACT[G>A]TTCAGGCAGAGCCCAGAAGGAGTCGTGGACGAGGAAGCGGCGGGACAGGTCGACTAGCTG-3'

ClinVar aggregate classification (germline): Pathogenic (1 of 4 stars; one submission).

Submission:

Labcorp Genetics (formerly Invitae), Labcorp
Classification: Pathogenic. Last evaluated: 2024-07-12. Review status: criteria provided, single submitter. Criteria: Invitae Variant Classification Sherloc (09022015). Collection method: clinical testing. Allele origin: germline.
Comment: This sequence change creates a premature translational stop signal (p.Gln601*) in the HSPG2 gene. It is expected to result in an absent or disrupted protein product. Loss-of-function variants in HSPG2 are known to be pathogenic (PMID: 11279527, 16927315, 20542149, 23836246). This variant is not present in population databases (gnomAD no frequency). This variant has not been reported in the literature in individuals affected with HSPG2-related conditions. For these reasons, this variant has been classified as Pathogenic.

Literature cited by the submitters: PubMed 11279527; PubMed 16927315; PubMed 20542149; PubMed 23836246.